The following is an entry in ClinVar:

ClinVar aggregate classification (germline): Uncertain significance. Review status: criteria provided, multiple submitters, no conflicts (2 of 4 stars). 7 submissions from 6 submitters: Uncertain significance (5). 2 of the submissions do not count toward it. Last evaluated 2026-01-20.

Conditions:
Hyperinsulinemic hypoglycemia, familial, 1 (HHF1). Also called: Persistent hyperinsulinemic hypoglycemia of infancy; Persistent Hyperinsulinemia Hypoglycemia of Infancy; HYPOGLYCEMIA, HYPERINSULINEMIC, OF INFANCY; NESIDIOBLASTOSIS OF PANCREAS; HYPERINSULINISM, FAMILIAL, WITH PANCREATIC NESIDIOBLASTOSIS. Identifiers: Orphanet 276575, Orphanet 276598, MedGen C2931832, MONDO:0009734, OMIM 256450.
Transitory neonatal diabetes mellitus. Also called: Transient neonatal diabetes mellitus. Identifiers: MedGen C0342273, MONDO:0020525, HP:0008255.
Permanent neonatal diabetes mellitus (PNDM). Identifiers: Orphanet 99885, MedGen C1833104, MONDO:0100164, MONDO:0011643. Disease mechanism: gain of function.
Maturity-onset diabetes of the young (MODY). Also called: Maturity onset diabetes mellitus in young. Identifiers: Orphanet 552, MedGen C0342276, MONDO:0018911, HP:0004904.

Allele frequency attached by ClinVar (database versions not stated): TOPMed below 0.00001.
gnomAD v4.1: 1 of 1,613,756 alleles (0.000062%); no homozygotes.

Submissions (7):

GeneDx
Classification: Uncertain significance. Last evaluated: 2026-01-20. Review status: criteria provided, single submitter. Criteria: GeneDx Variant Classification Process June 2021. Collection method: clinical testing. Allele origin: germline. Affected: yes.
Comment: Not observed at significant frequency in large population cohorts (gnomAD); In silico analysis suggests that this missense variant does not alter protein structure/function; This variant is associated with the following publications: (PMID: 39227362, 32027066)

Women's Health and Genetics/Laboratory Corporation of America, LabCorp
Classification: Uncertain significance. Last evaluated: 2023-05-04. Review status: criteria provided, single submitter. Criteria: LabCorp Variant Classification Summary - May 2015. Collection method: clinical testing. Allele origin: germline.
Comment: Variant summary: ABCC8 c.4615G>A (p.Val1539Met) results in a conservative amino acid change located in the ABC transporter-like, ATP-binding domain (IPR003439) of the encoded protein sequence. Four of five in-silico tools predict a damaging effect of the variant on protein function. The variant was absent in 250682 control chromosomes (gnomAD). The available data on variant occurrences in the general population are insufficient to allow any conclusion about variant significance. c.4615G>A has been reported in the literature in an individual affected with late onset diabetes/hyperinsulinism (de Franco_2020). This report does not provide unequivocal conclusions about association of the variant with Neonatal Diabetes Mellitus. To our knowledge, no experimental evidence demonstrating an impact on protein function has been reported. The following publication has been ascertained in the context of this evaluation (PMID: 32027066). Four clinical diagnostic laboratories have submitted clinical-significance assessments for this variant to ClinVar after 2014 and classifed the variant as VUS (n=3) and likely pathogenic (n=1). Based on the evidence outlined above, the variant was classified as uncertain significance.

Labcorp Genetics (formerly Invitae), Labcorp
Classification: Uncertain significance. Last evaluated: 2022-02-05. Review status: criteria provided, single submitter. Criteria: Invitae Variant Classification Sherloc (09022015). Collection method: clinical testing. Allele origin: germline.
Comment: This sequence change replaces valine, which is neutral and non-polar, with methionine, which is neutral and non-polar, at codon 1539 of the ABCC8 protein (p.Val1539Met). This variant is not present in population databases (gnomAD no frequency). This missense change has been observed in individual(s) with clinical features of neonatal diabetes mellitus (PMID: 32027066). This variant is also known as c.4618G>A, p.(Val1540Met). ClinVar contains an entry for this variant (Variation ID: 35623). Advanced modeling of protein sequence and biophysical properties (such as structural, functional, and spatial information, amino acid conservation, physicochemical variation, residue mobility, and thermodynamic stability) performed at Invitae indicates that this missense variant is not expected to disrupt ABCC8 protein function. In summary, the available evidence is currently insufficient to determine the role of this variant in disease. Therefore, it has been classified as a Variant of Uncertain Significance.

Clinical Genomics, Uppaluri K&H Personalized Medicine Clinic
Classification: Uncertain significance for Transitory neonatal diabetes mellitus. Review status: criteria provided, single submitter. Criteria: K & H Uppaluri Personalized Medicine Clinic Variant Classification & Assertion Criteria_Updated V.1. Collection method: research. Allele origin: somatic. Inheritance: Somatic mutation.
Comment: Mutations in ABCC8 gene are associated with both neonatal diabetes mellitus as well as MODY. Patients with this mutation may have a better response to sulfonylureas. However, no sufficient evidence is found to ascertain the role of this particular variant (rs193922408 ) in neonatal diabetes yet.

Clinical Genomics, Uppaluri K&H Personalized Medicine Clinic
Classification: Uncertain significance for Maturity-onset diabetes of the young. Review status: criteria provided, single submitter. Criteria: K & H Uppaluri Personalized Medicine Clinic Variant Classification & Assertion Criteria_Updated V.1. Collection method: research. Allele origin: somatic. Inheritance: Somatic mutation.
Comment: Mutations in ABCC8 gene are associated with both neonatal diabetes mellitus as well as MODY. Patients with this mutation may have a better response to sulfonylureas. However, no sufficient evidence is found to ascertain the role of this particular variant (rs193922408 ) in MODY yet.

Counsyl
Classification: Uncertain significance for Hyperinsulinemic hypoglycemia, familial, 1. Last evaluated: 2017-09-19. Review status: no assertion criteria provided. Collection method: clinical testing. Allele origin: unknown. Not counted in ClinVar's aggregate classification.

Genetic Services Laboratory, University of Chicago
Classification: Likely pathogenic for Diabetes mellitus, permanent neonatal. Last evaluated: 2017-04-04. Review status: flagged submission. Criteria: ACMG Guidelines, 2015. Collection method: clinical testing. Allele origin: germline. Affected: yes. Not counted in ClinVar's aggregate classification.
ClinVar note: Reason: Outlier claim with insufficient supporting evidence

Literature cited by the submitters: PubMed 32027066 (cited by 3 submitters); PubMed 16885549 (cited by Clinical Genomics, Uppaluri K&H Personalized Medicine Clinic); PubMed 21989597 (cited by Clinical Genomics, Uppaluri K&H Personalized Medicine Clinic); PubMed 27538677 (cited by Clinical Genomics, Uppaluri K&H Personalized Medicine Clinic); PubMed 18981553 (cited by Clinical Genomics, Uppaluri K&H Personalized Medicine Clinic); PubMed 16613899 (cited by Clinical Genomics, Uppaluri K&H Personalized Medicine Clinic); PubMed 18025408 (cited by Clinical Genomics, Uppaluri K&H Personalized Medicine Clinic); PubMed 32792356 (cited by Clinical Genomics, Uppaluri K&H Personalized Medicine Clinic).

NM_000352.6(ABCC8):c.4615G>A (p.Val1539Met)

Gene: ABCC8 (ATP binding cassette subfamily C member 8; minus strand). Cytogenetic location: 11p15.1.
Variant type: single nucleotide variant.
Coding change: c.4615G>A on transcript NM_000352.6 (MANE Select); coding-DNA position 4615, G replaced by A.
Protein change: p.Val1539Met; replaces valine 1539 with methionine.
Molecular consequence: missense variant. On other transcripts: non-coding transcript variant (1).
Genome position (GRCh38, 1-based): chr11:17,393,122, C>T on the plus strand (G>A on the coding strand, the complement: ABCC8 is on the minus strand). VCF-style: chr11-17393122-C-T. GRCh37 (hg19) VCF-style: chr11-17414669-C-T.
Other names: c.4618G>A, p.Val1540Met (NM_001287174.3); c.4681G>A, p.Val1561Met (NM_001351295.2); c.4615G>A, p.Val1539Met (NM_001351296.2); c.4612G>A, p.Val1538Met (NM_001351297.2); short protein forms V1539M, V1540M, V1561M, V1538M.
Identifiers: ClinVar variation 35623 (VCV000035623.15), dbSNP rs193922408, ClinGen allele CA213470.
Genomic context (GRCh38, chr11:17,393,122, plus strand): 5'-ACTCAAGGATGGCACCCCGCTTCAGGACGATCACCAGGTCTGCACTCAGGATGGTGTGCA[C>T]TCGATGCTGGGCAGGGCAGGAGGGGGCGGGTCAGGATGGTGGGAATACCACCCGCGGTGG-3'
Protein context (NP_000343.2, residues 1529-1549): DRTVVTIAHR[Val1539Met]HTILSADLVI